The following is an entry in ClinVar:

ClinVar aggregate classification (germline): Uncertain significance (1 of 4 stars; one submission).

Submission:

Labcorp Genetics (formerly Invitae), Labcorp
Classification: Uncertain significance. Last evaluated: 2024-01-29. Review status: criteria provided, single submitter. Criteria: Invitae Variant Classification Sherloc (09022015). Collection method: clinical testing. Allele origin: germline.
Comment: This sequence change replaces leucine, which is neutral and non-polar, with methionine, which is neutral and non-polar, at codon 43 of the TBCD protein (p.Leu43Met). This variant is not present in population databases (gnomAD no frequency). This variant has not been reported in the literature in individuals affected with TBCD-related conditions. ClinVar contains an entry for this variant (Variation ID: 1498696). Advanced modeling of protein sequence and biophysical properties (such as structural, functional, and spatial information, amino acid conservation, physicochemical variation, residue mobility, and thermodynamic stability) has been performed at Invitae for this missense variant, however the output from this modeling did not meet the statistical confidence thresholds required to predict the impact of this variant on TBCD protein function. In summary, the available evidence is currently insufficient to determine the role of this variant in disease. Therefore, it has been classified as a Variant of Uncertain Significance.

NM_005993.5(TBCD):c.127C>A (p.Leu43Met)

Genes: TBCD (tubulin folding cofactor D), LOC130062062 (ATAC-STARR-seq lymphoblastoid silent region 9229; plus strand). Cytogenetic location: 17q25.3.
Variant type: single nucleotide variant.
Coding change: c.127C>A on transcript NM_005993.5 (MANE Select); coding-DNA position 127, C replaced by A.
Protein change: p.Leu43Met; replaces leucine 43 with methionine.
Molecular consequence: missense variant.
Genome position (GRCh38, 1-based): chr17:82,752,320, C>A. VCF-style: chr17-82752320-C-A. GRCh37 (hg19) VCF-style: chr17-80710196-C-A.
Other names: short protein forms L43M.
Identifiers: ClinVar variation 1498696 (VCV001498696.6), dbSNP rs1189504883, ClinGen allele CA401622376.